The following is an entry in ClinVar:

ClinVar aggregate classification (germline): Uncertain significance (1 of 4 stars; one submission).

Allele frequency attached by ClinVar (database versions not stated): gnomAD exomes below 0.00001; TOPMed below 0.00001; gnomAD 0.00001.
gnomAD v4.1: 4 of 1,557,482 alleles (0.00026%); highest among the groups gnomAD compares: Admixed American, 0.007%; no homozygotes.

Submission:

Labcorp Genetics (formerly Invitae), Labcorp
Classification: Uncertain significance. Last evaluated: 2025-03-18. Review status: criteria provided, single submitter. Criteria: Invitae Variant Classification Sherloc (09022015). Collection method: clinical testing. Allele origin: germline.
Comment: This sequence change replaces leucine, which is neutral and non-polar, with serine, which is neutral and polar, at codon 304 of the RIPK1 protein (p.Leu304Ser). This variant is present in population databases (no rsID available, gnomAD 0.003%). This variant has not been reported in the literature in individuals affected with RIPK1-related conditions. ClinVar contains an entry for this variant (Variation ID: 1932622). An algorithm developed to predict the effect of missense changes on protein structure and function (PolyPhen-2) suggests that this variant is likely to be disruptive. In summary, the available evidence is currently insufficient to determine the role of this variant in disease. Therefore, it has been classified as a Variant of Uncertain Significance.

NM_001354930.2(RIPK1):c.911T>C (p.Leu304Ser)

Gene: RIPK1 (receptor interacting serine/threonine kinase 1; plus strand). Cytogenetic location: 6p25.2.
Variant type: single nucleotide variant.
Coding change: c.911T>C on transcript NM_001354930.2 (MANE Select); coding-DNA position 911, T replaced by C.
Protein change: p.Leu304Ser; replaces leucine 304 with serine.
Molecular consequence: missense variant.
Genome position (GRCh38, 1-based): chr6:3,089,653, T>C. VCF-style: chr6-3089653-T-C. GRCh37 (hg19) VCF-style: chr6-3089887-T-C.
Other names: c.422T>C, p.Leu141Ser (NM_001317061.3, NM_001354932.2, NM_001354933.2 and 1 more transcripts); c.773T>C, p.Leu258Ser (NM_001354931.2); c.911T>C, p.Leu304Ser (NM_003804.6); short protein forms L141S, L258S, L304S.
Identifiers: ClinVar variation 1932622 (VCV001932622.5), dbSNP rs1473527390, ClinGen allele CA362583346.